The following is an entry in ClinVar:

ClinVar aggregate classification (germline): Uncertain significance (1 of 4 stars; one submission).

Conditions:
Renal cell carcinoma. Identifiers: Orphanet 217071, MedGen C0007134, MeSH D002292, MONDO:0005086, HP:0005584.

gnomAD v4.1: 1 of 1,613,734 alleles (0.000062%); highest among the groups gnomAD compares: Non-Finnish European, 0.000085%; no homozygotes.

Submission:

Labcorp Genetics (formerly Invitae), Labcorp
Classification: Uncertain significance for Renal cell carcinoma. Last evaluated: 2021-06-14. Review status: criteria provided, single submitter. Criteria: Invitae Variant Classification Sherloc (09022015). Collection method: clinical testing. Allele origin: germline.
Comment: In summary, the available evidence is currently insufficient to determine the role of this variant in disease. Therefore, it has been classified as a Variant of Uncertain Significance. Algorithms developed to predict the effect of missense changes on protein structure and function are either unavailable or do not agree on the potential impact of this missense change (SIFT: "Tolerated"; PolyPhen-2: "Probably Damaging"; Align-GVGD: "Class C0"). This variant has not been reported in the literature in individuals with MET-related conditions. This variant is not present in population databases (ExAC no frequency). This sequence change replaces arginine with proline at codon 988 of the MET protein (p.Arg988Pro). The arginine residue is moderately conserved and there is a moderate physicochemical difference between arginine and proline.

NM_000245.4(MET):c.2909G>C (p.Arg970Pro)

Gene: MET (MET proto-oncogene, receptor tyrosine kinase; plus strand). Cytogenetic location: 7q31.2.
Variant type: single nucleotide variant.
Coding change: c.2909G>C on transcript NM_000245.4 (MANE Select); coding-DNA position 2909, G replaced by C.
Protein change: p.Arg970Pro; replaces arginine 970 with proline.
Molecular consequence: missense variant.
Genome position (GRCh38, 1-based): chr7:116,771,870, G>C. VCF-style: chr7-116771870-G-C. GRCh37 (hg19) VCF-style: chr7-116411924-G-C.
Other names: c.2963G>C, p.Arg988Pro (NM_001127500.3); c.1619G>C, p.Arg540Pro (NM_001324402.2); short protein forms R970P, R540P, R988P.
Identifiers: ClinVar variation 1471187 (VCV001471187.8), dbSNP rs45607832, ClinGen allele CA368986986.